The following is an entry in ClinVar:

NM_198578.4(LRRK2):c.3674T>A (p.Leu1225His)

Gene: LRRK2 (leucine rich repeat kinase 2; plus strand). Cytogenetic location: 12q12.
Variant type: single nucleotide variant.
Coding change: c.3674T>A on transcript NM_198578.4 (MANE Select); coding-DNA position 3674, T replaced by A.
Protein change: p.Leu1225His; replaces leucine 1225 with histidine.
Molecular consequence: missense variant.
Genome position (GRCh38, 1-based): chr12:40,304,031, T>A. VCF-style: chr12-40304031-T-A. GRCh37 (hg19) VCF-style: chr12-40697833-T-A.
Other names: short protein forms L1225H.
Identifiers: ClinVar variation 3540602 (VCV003540602.1).

ClinVar aggregate classification (germline): Uncertain significance (1 of 4 stars; one submission).

Conditions:
Inborn genetic diseases. Identifiers: MedGen C0950123, MeSH D030342.

Submission:

Ambry Genetics
Classification: Uncertain significance for Inborn genetic diseases. Last evaluated: 2024-08-02. Review status: criteria provided, single submitter. Criteria: Ambry Variant Classification Scheme 2023. Collection method: clinical testing. Allele origin: germline.
Comment: The p.L1225H variant (also known as c.3674T>A), located in coding exon 27 of the LRRK2 gene, results from a T to A substitution at nucleotide position 3674. The leucine at codon 1225 is replaced by histidine, an amino acid with similar properties. This amino acid position is conserved. In addition, this alteration is predicted to be deleterious by in silico analysis. Based on the available evidence, the clinical significance of this variant remains unclear.